The following is an entry in ClinVar:

ClinVar aggregate classification (germline): Likely pathogenic (1 of 4 stars; one submission).

Conditions:
Alagille syndrome due to a JAG1 point mutation. Also called: HEPATIC DUCTULAR HYPOPLASIA, SYNDROMATIC; JAG1-Related Alagille Syndrome; Alagille Syndrome 1. Identifiers: Orphanet 261619, Orphanet 52, MedGen C1956125, MONDO:0016862, OMIM 118450.

Submission:

3billion
Classification: Likely pathogenic for Alagille syndrome due to a JAG1 point mutation. Last evaluated: 2026-01-06. Review status: criteria provided, single submitter. Criteria: ACMG Guidelines, 2015. Collection method: clinical testing. Allele origin: germline. Affected: yes.
Comment: The variant is not observed in the gnomAD v4.1.0 dataset. Predicted Consequence/Location: Missense variant In silico tool predictions suggest damaging effect of the variant on gene or gene product [REVEL: 0.74 (>=0.6, sensitivity 0.68 and specificity 0.92)]. The same nucleotide change resulting in the same amino acid change has been previously reported to be associated with JAG1-related disorder (PMID: 32436246). The variant has been previously reported as de novo in a similarly affected individual (PMID: 32436246). Therefore, this variant is classified as Likely pathogenic according to the recommendation of ACMG/AMP guideline.

Literature cited by the submitters: PubMed 32436246.

NM_000214.3(JAG1):c.205G>A (p.Asp69Asn)

Gene: JAG1 (jagged canonical Notch ligand 1; minus strand). Cytogenetic location: 20p12.2.
Variant type: single nucleotide variant.
Coding change: c.205G>A on transcript NM_000214.3 (MANE Select); coding-DNA position 205, G replaced by A.
Protein change: p.Asp69Asn; replaces aspartic acid 69 with asparagine.
Molecular consequence: missense variant.
Genome position (GRCh38, 1-based): chr20:10,672,883, C>T on the plus strand (G>A on the coding strand, the complement: JAG1 is on the minus strand). VCF-style: chr20-10672883-C-T. GRCh37 (hg19) VCF-style: chr20-10653531-C-T.
Other names: short protein forms D69N.
Identifiers: ClinVar variation 4856185 (VCV004856185.1).